The following is an entry in ClinVar:

NM_001365951.3(KIF1B):c.2143C>G (p.Gln715Glu)

Gene: KIF1B (kinesin family member 1B; plus strand). Cytogenetic location: 1p36.22.
Variant type: single nucleotide variant.
Coding change: c.2143C>G on transcript NM_001365951.3 (MANE Select); coding-DNA position 2143, C replaced by G.
Protein change: p.Gln715Glu; replaces glutamine 715 with glutamic acid.
Molecular consequence: missense variant.
Genome position (GRCh38, 1-based): chr1:10,320,070, C>G. VCF-style: chr1-10320070-C-G. GRCh37 (hg19) VCF-style: chr1-10380128-C-G.
Other names: c.2143C>G, p.Gln715Glu (NM_001365952.1); c.2005C>G, p.Gln669Glu (NM_015074.3); short protein forms Q669E, Q715E.
Identifiers: ClinVar variation 2563595 (VCV002563595.2), dbSNP rs1651461420, ClinGen allele CA338332291.
Genomic context (GRCh38, chr1:10,320,070, plus strand): 5'-CTCCTACATGTTATCTCCTTTCTTTTCATTCAGGACTATGAGAGTAAATTGCAGGCCTTG[C>G]AGAAGCAGGTTGAAACCCGATCTCTGGCTGCAGAAACAACTGAAGAGGAGGAAGAAGAGG-3'
Protein context (NP_001352880.1, residues 705-725): LDYESKLQAL[Gln715Glu]KQVETRSLAA

ClinVar aggregate classification (germline): Uncertain significance (1 of 4 stars; one submission).

Allele frequency attached by ClinVar (database versions not stated): TOPMed below 0.00001.

Submission:

Ambry Genetics
Classification: Uncertain significance. Last evaluated: 2023-03-25. Review status: criteria provided, single submitter. Criteria: Ambry Variant Classification Scheme 2023. Collection method: clinical testing. Allele origin: germline.
Comment: The p.Q669E variant (also known as c.2005C>G), located in coding exon 20 of the KIF1B gene, results from a C to G substitution at nucleotide position 2005. The glutamine at codon 669 is replaced by glutamic acid, an amino acid with highly similar properties. This amino acid position is conserved. In addition, the in silico prediction for this alteration is inconclusive. Since supporting evidence is limited at this time, the clinical significance of this alteration remains unclear.